The following is an entry in ClinVar:

NM_005879.3(TRAIP):c.730G>C (p.Asp244His)

Gene: TRAIP (TRAF interacting protein; minus strand). Cytogenetic location: 3p21.31.
Variant type: single nucleotide variant.
Coding change: c.730G>C on transcript NM_005879.3 (MANE Select); coding-DNA position 730, G replaced by C.
Protein change: p.Asp244His; replaces aspartic acid 244 with histidine.
Molecular consequence: missense variant.
Genome position (GRCh38, 1-based): chr3:49,840,349, C>G on the plus strand (G>C on the coding strand, the complement: TRAIP is on the minus strand). VCF-style: chr3-49840349-C-G. GRCh37 (hg19) VCF-style: chr3-49877782-C-G.
Other names: c.730G>C (NM_005879.2); short protein forms D244H.
Identifiers: ClinVar variation 2068839 (VCV002068839.5), dbSNP rs373674729, ClinGen allele CA2407714.
Genomic context (GRCh38, chr3:49,840,349, plus strand): 5'-TTTCCTTGTCAGCACTCTGTAAGTCCTTCTGGGCTGACTTCAGTTCTAACTTGGCCTGAT[C>G]CAATTCAGAGTAGACTGTCTGCAACTATAAGAAAGTGTAGGGAATGAAAGACAAGCCAAG-3'
Protein context (NP_005870.2, residues 234-254): SKLQTVYSEL[Asp244His]QAKLELKSAQ

ClinVar aggregate classification (germline): Uncertain significance. Review status: criteria provided, multiple submitters, no conflicts (2 of 4 stars). 2 submissions from 2 submitters: Uncertain significance (2). Last evaluated 2024-01-16.

Conditions:
Inborn genetic diseases. Identifiers: MedGen C0950123, MeSH D030342.

Allele frequency attached by ClinVar (database versions not stated): ExAC 0.00002; ESP Exome Variant Server 0.00008; gnomAD exomes 0.00001.

Submissions (2):

Ambry Genetics
Classification: Uncertain significance for Inborn genetic diseases. Last evaluated: 2024-01-16. Review status: criteria provided, single submitter. Criteria: Ambry Variant Classification Scheme 2023. Collection method: clinical testing. Allele origin: germline.

Labcorp Genetics (formerly Invitae), Labcorp
Classification: Uncertain significance. Last evaluated: 2022-05-16. Review status: criteria provided, single submitter. Criteria: Invitae Variant Classification Sherloc (09022015). Collection method: clinical testing. Allele origin: germline.
Comment: This sequence change replaces aspartic acid, which is acidic and polar, with histidine, which is basic and polar, at codon 244 of the TRAIP protein (p.Asp244His). This variant is present in population databases (rs373674729, gnomAD 0.003%). In summary, the available evidence is currently insufficient to determine the role of this variant in disease. Therefore, it has been classified as a Variant of Uncertain Significance. Algorithms developed to predict the effect of missense changes on protein structure and function (SIFT, PolyPhen-2, Align-GVGD) all suggest that this variant is likely to be tolerated. This variant has not been reported in the literature in individuals affected with TRAIP-related conditions.